The following is an entry in ClinVar:

NM_003079.5(SMARCE1):c.922del (p.Ala308fs)

Gene: SMARCE1 (SWI/SNF related BAF chromatin remodeling complex subunit E1; minus strand). Cytogenetic location: 17q21.2.
Variant type: Deletion.
Coding change: c.922del on transcript NM_003079.5 (MANE Select); coding-DNA position 922, one base deleted (G; older notation c.922delG).
Protein change: p.Ala308fs; shifts the reading frame from alanine 308.
Molecular consequence: frameshift variant.
Genome position (GRCh38, 1-based): chr17:40,630,819, C deleted on the plus strand (G on the coding strand, the reverse complement: SMARCE1 is on the minus strand). VCF-style (leftmost placement, unchanged base first): chr17-40630818-GC-G. GRCh37 (hg19) VCF-style: chr17-38787070-GC-G.
Other names: short protein forms A308fs.
Identifiers: ClinVar variation 3320851 (VCV003320851.2).
Genomic context (GRCh38, chr17:40,630,818, plus strand): 5'-TTGTTAGCTGCTTGTTCTTCCTCAGGAACGATGCTGCTCTGACTGCGCTCAGCTTGCTCT[GC>G]GGCCTCCTTCTCCCTTTCCTCCTGCCTTTTGCGGGCCTGTTCCTCTGCCTGTGCAATCTC-3'

ClinVar aggregate classification (germline): Likely pathogenic (1 of 4 stars; one submission).

Conditions:
Hereditary cancer-predisposing syndrome. Also called: Neoplastic Syndromes, Hereditary; Tumor predisposition; Hereditary neoplastic syndrome; Hereditary Cancer Syndrome. Identifiers: Orphanet 140162, MedGen C0027672, MeSH D009386, MONDO:0015356.

Submission:

Ambry Genetics
Classification: Likely pathogenic for Hereditary cancer-predisposing syndrome. Last evaluated: 2025-07-29. Review status: criteria provided, single submitter. Criteria: Ambry Variant Classification Scheme 2023. Collection method: clinical testing. Allele origin: germline.
Comment: The c.922delG variant, located in coding exon 9 of the SMARCE1 gene, results from a deletion of one nucleotide at nucleotide position 922, causing a translational frameshift with a predicted alternate stop codon (p.A308Qfs*134). This alteration occurs at the 3' terminus of theSMARCE1 gene, is not expected to trigger nonsense-mediated mRNAdecay and results in the elongation of the protein by 29 amino acids. This frameshift impacts the last 104amino acids of the native protein. Frameshifts are typically deleterious in nature, the impacted region is critical for protein function, and a significant portion of the protein is affected (Ambry internal data). This variant is considered to be rare based on population cohorts in the Genome Aggregation Database (gnomAD). Loss-of-function variants in SMARCE1 are known to cause increased risk of meningiomas; however, such associations with neurodevelopmental disorders are exceedingly rare (Kosho T et al. Am J Med Genet C Semin Med Genet. 2014 Sep;166C(3):262-75; Smith JM et al. Nat Genet. 2013 Mar;45(3):295-8). Based on the supporting evidence, this alteration is likely pathogenic for an increased risk of meningiomas; however, the association of this alteration with an increased risk of Coffin-Siris syndrome is unlikely.